The following is an entry in ClinVar:

ClinVar aggregate classification (germline): Uncertain significance (1 of 4 stars; one submission).

Conditions:
Glaucoma, normal tension, susceptibility to (NTG). Also called: GLAUCOMA, NORMAL PRESSURE, SUSCEPTIBILITY TO. Identifiers: MedGen C1847730, MONDO:0011693, OMIM 606657.
Autosomal dominant optic atrophy classic form (OPA1). Also called: KJER-TYPE OPTIC ATROPHY; OPTIC ATROPHY, JUVENILE; Optic Atrophy Type 1. Identifiers: Orphanet 98673, MedGen C0338508, MONDO:0008134, OMIM 165500.
Mitochondrial dna depletion syndrome 14A (encephalomyopathic type). Identifiers: MedGen C6065952, MONDO:0980967, OMIM 621481.
Abortive cerebellar ataxia (BEHRS). Also called: OPTIC ATROPHY, INFANTILE HEREDITARY, WITH NEUROLOGIC ABNORMALITIES; Behr syndrome. Identifiers: Orphanet 1239, MedGen C0221061, MONDO:0008858, OMIM 210000.
Optic atrophy with or without deafness, ophthalmoplegia, myopathy, ataxia, and neuropathy. Also called: OPTIC ATROPHY PLUS SYNDROME. Identifiers: MedGen C3276549, MONDO:0007429, OMIM 125250.
Mitochondrial DNA depletion syndrome 14B (cardioencephalomyopathic type). Also called: Mitochondrial DNA depletion syndrome 14 (cardioencephalomyopathic type); Mitochondrial DNA depletion syndrome 14 (encephalocardiomyopathic type). Identifiers: MedGen C6065890, MONDO:0014820, OMIM 616896.

Submission:

Juno Genomics, Hangzhou Juno Genomics, Inc
Classification: Uncertain significance for Mitochondrial dna depletion syndrome 14A (encephalomyopathic type); Mitochondrial DNA depletion syndrome 14B (cardioencephalomyopathic type); Glaucoma, normal tension, susceptibility to; Abortive cerebellar ataxia; Autosomal dominant optic atrophy classic form; Optic atrophy with or without deafness, ophthalmoplegia, myopathy, ataxia, and neuropathy. Review status: criteria provided, single submitter. Criteria: ACMG Guidelines, 2015. Collection method: clinical testing. Allele origin: germline. Affected: yes.
Comment: Absent from controls (or at extremely low frequency if recessive) in Genome Aggregation Database.;Multiple lines of computational evidence support a deleterious effect on the gene or gene product.

NM_130837.3(OPA1):c.2689A>G (p.Arg897Gly)

Gene: OPA1 (OPA1 mitochondrial dynamin like GTPase; plus strand). Cytogenetic location: 3q29.
Variant type: single nucleotide variant.
Coding change: c.2689A>G on transcript NM_130837.3 (MANE Select); coding-DNA position 2689, A replaced by G.
Protein change: p.Arg897Gly; replaces arginine 897 with glycine.
Molecular consequence: missense variant.
Genome position (GRCh38, 1-based): chr3:193,664,907, A>G. VCF-style: chr3-193664907-A-G. GRCh37 (hg19) VCF-style: chr3-193382696-A-G.
Other names: c.2155A>G, p.Arg719Gly (NM_001354663.2); c.2152A>G, p.Arg718Gly (NM_001354664.2); c.2524A>G, p.Arg842Gly (NM_015560.3); c.2416A>G, p.Arg806Gly (NM_130831.3); c.2470A>G, p.Arg824Gly (NM_130832.3); c.2527A>G, p.Arg843Gly (NM_130833.3); c.2578A>G, p.Arg860Gly (NM_130834.3); c.2581A>G, p.Arg861Gly (NM_130835.3); and 1 more; short protein forms R718G, R719G, R806G, R824G, R842G, R843G, R860G, R861G.
Identifiers: ClinVar variation 5018759 (VCV005018759.1).